The following is an entry in ClinVar:

ClinVar aggregate classification (germline): Pathogenic. Review status: criteria provided, multiple submitters, no conflicts (2 of 4 stars). 2 submissions from 2 submitters: Pathogenic (2). Last evaluated 2025-05-30.

Conditions:
Niemann-Pick disease, type C (NPC). Identifiers: Orphanet 646, MedGen C0220756, MONDO:0018982.
Niemann-Pick disease, type C1. Also called: NEUROVISCERAL STORAGE DISEASE WITH VERTICAL SUPRANUCLEAR OPHTHALMOPLEGIA; NIEMANN-PICK DISEASE WITH CHOLESTEROL ESTERIFICATION BLOCK; NIEMANN-PICK DISEASE WITHOUT SPHINGOMYELINASE DEFICIENCY; NIEMANN-PICK DISEASE, CHRONIC NEURONOPATHIC FORM; NIEMANN-PICK DISEASE, VARIANT TYPE C1. Identifiers: Orphanet 646, MedGen C3179455, MONDO:0009757, OMIM 257220.

Submissions (2):

Women's Health and Genetics/Laboratory Corporation of America, LabCorp
Classification: Pathogenic for Niemann-Pick disease, type C. Last evaluated: 2025-05-30. Review status: criteria provided, single submitter. Criteria: LabCorp Variant Classification Summary - May 2015. Collection method: clinical testing. Allele origin: germline.
Comment: Variant summary: NPC1 c.1501G>T (p.Asp501Tyr) results in a non-conservative amino acid change in the encoded protein sequence. Algorithms developed to predict the effect of missense changes on protein structure and function all suggest that this variant is likely to be disruptive. The variant was absent in 251460 control chromosomes. c.1501G>T has been observed in multiple compound heterozygous individuals affected with Niemann-Pick Disease Type C (Xiong_2012, Zhang_2014, Dardis_2020, Jiang_2021, Liang_2024). These data indicate that the variant is very likely to be associated with disease. To our knowledge, no experimental evidence demonstrating an impact on protein function has been reported. The following publications have been ascertained in the context of this evaluation (PMID: 32138288, 34489640, 38131230, 22326530, 24915861). ClinVar contains an entry for this variant (Variation ID: 2736709). Based on the evidence outlined above, the variant was classified as pathogenic.

Labcorp Genetics (formerly Invitae), Labcorp
Classification: Pathogenic for Niemann-Pick disease, type C1. Last evaluated: 2023-07-25. Review status: criteria provided, single submitter. Criteria: Invitae Variant Classification Sherloc (09022015). Collection method: clinical testing. Allele origin: germline.
Comment: This missense change has been observed in individual(s) with Niemann-Pick Type C (PMID: 22326530, 24915861, 32138288, 34489640). In at least one individual the data is consistent with being in trans (on the opposite chromosome) from a pathogenic variant. For these reasons, this variant has been classified as Pathogenic. Algorithms developed to predict the effect of sequence changes on RNA splicing suggest that this variant may create or strengthen a splice site. Advanced modeling of protein sequence and biophysical properties (such as structural, functional, and spatial information, amino acid conservation, physicochemical variation, residue mobility, and thermodynamic stability) performed at Invitae indicates that this missense variant is expected to disrupt NPC1 protein function. This variant is not present in population databases (gnomAD no frequency). This sequence change replaces aspartic acid, which is acidic and polar, with tyrosine, which is neutral and polar, at codon 501 of the NPC1 protein (p.Asp501Tyr).

Literature cited by the submitters: PubMed 32138288 (cited by Women's Health and Genetics/Laboratory Corporation of America, LabCorp and Labcorp Genetics (formerly Invitae), Labcorp); PubMed 22326530 (cited by Women's Health and Genetics/Laboratory Corporation of America, LabCorp and Labcorp Genetics (formerly Invitae), Labcorp); PubMed 24915861 (cited by Women's Health and Genetics/Laboratory Corporation of America, LabCorp and Labcorp Genetics (formerly Invitae), Labcorp); PubMed 38131230 (cited by Women's Health and Genetics/Laboratory Corporation of America, LabCorp); PubMed 34489640 (cited by Women's Health and Genetics/Laboratory Corporation of America, LabCorp and Labcorp Genetics (formerly Invitae), Labcorp).

NM_000271.5(NPC1):c.1501G>T (p.Asp501Tyr)

Gene: NPC1 (NPC intracellular cholesterol transporter 1; minus strand). Cytogenetic location: 18q11.2.
Variant type: single nucleotide variant.
Coding change: c.1501G>T on transcript NM_000271.5 (MANE Select); coding-DNA position 1501, G replaced by T.
Protein change: p.Asp501Tyr; replaces aspartic acid 501 with tyrosine.
Molecular consequence: missense variant.
Genome position (GRCh38, 1-based): chr18:23,554,810, C>A on the plus strand (G>T on the coding strand, the complement: NPC1 is on the minus strand). VCF-style: chr18-23554810-C-A. GRCh37 (hg19) VCF-style: chr18-21134774-C-A.
Other names: short protein forms D501Y.
Identifiers: ClinVar variation 2736709 (VCV002736709.4), dbSNP rs2511275485, ClinGen allele CA401775510.